The following is an entry in ClinVar:

ClinVar aggregate classification (germline): Conflicting classifications of pathogenicity. Review status: criteria provided, conflicting classifications (1 of 4 stars). 8 submissions from 8 submitters: Likely pathogenic (3); Uncertain significance (2); Likely benign (2). 1 of the submissions does not count toward it. Last evaluated 2026-02-02.

Conditions:
Inborn genetic diseases. Identifiers: MedGen C0950123, MeSH D030342.
Thyroid dyshormonogenesis 6 (TDH6). Also called: HYPOTHYROIDISM, CONGENITAL, DUE TO DYSHORMONOGENESIS, 6; THYROID HORMONOGENESIS, GENETIC DEFECT IN, 6; Genetic transient congenital hypothyroidism. Identifiers: Orphanet 226316, Orphanet 95716, MedGen C1846632, MONDO:0011792, OMIM 607200.
Familial thyroid dyshormonogenesis. Identifiers: Orphanet 95716, MedGen C4273748, MONDO:0010132.
Congenital hypothyroidism. Identifiers: Orphanet 442, MedGen C0010308, MONDO:0018612, HP:0000851.
DUOX2-related disorder. Also called: DUOX2-related condition.

Allele frequency attached by ClinVar (database versions not stated): ESP Exome Variant Server 0.00100; gnomAD 0.00109; gnomAD exomes 0.00128; ExAC 0.00133; TOPMed 0.00057; 1000 Genomes Project 30x 0.00094; 1000 Genomes Project 0.00100.
gnomAD v4.1: 1,603 of 1,614,256 alleles (0.099%); highest among the groups gnomAD compares: Non-Finnish European, 0.093%; 5 homozygotes.

Submissions (8):

Labcorp Genetics (formerly Invitae), Labcorp
Classification: Likely benign. Last evaluated: 2026-02-02. Review status: criteria provided, single submitter. Criteria: Invitae Variant Classification Sherloc (09022015). Collection method: clinical testing. Allele origin: germline.

Women's Health and Genetics/Laboratory Corporation of America, LabCorp
Classification: Uncertain significance. Last evaluated: 2025-09-29. Review status: criteria provided, single submitter. Criteria: LabCorp Variant Classification Summary - May 2015. Collection method: clinical testing. Allele origin: germline.
Comment: Variant summary: DUOX2 c.3155G>A (p.Cys1052Tyr) results in a non-conservative amino acid change in the encoded protein sequence. Algorithms developed to predict the effect of missense changes on protein structure and function are either unavailable or do not agree on the potential impact of this missense change. The variant allele was found at a frequency of 0.0013 in 251428 control chromosomes in the gnomAD database, including 2 homozygotes. This frequency is not significantly higher than estimated for disease-causing variants in DUOX2, allowing no conclusion about variant significance c.3155G>A has been reported in the literature in compound heterozygous individuals affected with Thyroid Dyshormonogenesis, including 2 siblings who were found to carry a pathogenic variant in trans (example: Tonacchera_2009, Muzza_2014). These data indicate that the variant may be associated with disease. Two publications report experimental evidence evaluating an impact on protein function (example: Tonacchera_2009, Muzza_2014). Specifically, both studies demonstrated that the variant led to partial loss of H2O2-generating activity, although the degree of impairment differed between the two studies. In one of the studies it was also shown that the variant led to a moderate reduction of DUOX2 surface expression. The following publications have been ascertained in the context of this evaluation (PMID: 35272499, 24423310, 39787321, 19789206). ClinVar contains an entry for this variant (Variation ID: 631732). Based on the evidence outlined above, the variant was classified as VUS-possibly pathogenic.

PreventionGenetics, part of Exact Sciences
Classification: Uncertain significance for DUOX2-related condition. Last evaluated: 2025-07-24. Review status: criteria provided, single submitter. Criteria: ACMG Guidelines, 2015. Collection method: clinical testing. Allele origin: germline.
Comment: The DUOX2 c.3155G>A variant is predicted to result in the amino acid substitution p.Cys1052Tyr. This variant has been reported in the homozygous state or with a second DUOX2 variant in individuals with congenital hypothyroidism (see, for example: Tonacchera et al. 2009. PubMed ID: 19789206; Muzza et al. 2014. PubMed ID: 24423310; Stoupa et al. 2021. PubMed ID: 33692749). Experimental studies indicate this variant impacts protein function (Tonacchera et al. 2009. PubMed ID: 19789206; Muzza et al. 2014. PubMed ID: 24423310). This variant is reported in 0.63% of alleles in individuals of European (Finnish) descent in gnomAD, including two homozygotes across all populations. Although we suspect that this variant may be pathogenic, at this time, the clinical significance of this variant is uncertain due to the absence of conclusive functional and genetic evidence.

Blueprint Genetics
Classification: Likely benign. Last evaluated: 2024-11-27. Review status: criteria provided, single submitter. Criteria: ACMG Guidelines, 2015. Collection method: clinical testing. Allele origin: germline.

GeneDx
Classification: Likely pathogenic. Last evaluated: 2024-10-02. Review status: criteria provided, single submitter. Criteria: GeneDx Variant Classification Process June 2021. Collection method: clinical testing. Allele origin: germline. Affected: yes.
Comment: Published functional studies demonstrate significantly impaired hydrogen peroxide generation (PMID: 24423310, 19789206); In silico analysis indicates that this missense variant does not alter protein structure/function; This variant is associated with the following publications: (PMID: 22995991, 24423310, 20981092, 19789206, 34426522, 31980526, 35272499, 29435108, 31172499, 33124651, 34200080, 33692749, 33490161, 33651715, 36884306)

Department of Pathology and Laboratory Medicine, Sinai Health System
Classification: Likely pathogenic for Familial thyroid dyshormonogenesis; Thyroid dyshormonogenesis 6. Last evaluated: 2022-11-18. Review status: criteria provided, single submitter. Criteria: ACMG Guidelines, 2015. Collection method: research. Allele origin: germline.

Ambry Genetics
Classification: Likely pathogenic for Inborn genetic diseases. Last evaluated: 2022-03-07. Review status: criteria provided, single submitter. Criteria: Ambry Variant Classification Scheme 2023. Collection method: clinical testing. Allele origin: germline.
Comment: The c.3155G>A (p.C1052Y) alteration is located in exon 24 (coding exon 23) of the DUOX2 gene. This alteration results from a G to A substitution at nucleotide position 3155, causing the cysteine (C) at amino acid position 1052 to be replaced by a tyrosine (Y). Based on data from gnomAD, the A allele has an overall frequency of 0.13% (366/282840) total alleles studied. The highest observed frequency was 0.63% (158/25124) of European (Finnish) alleles. This alteration has been observed in conjunction with a second DUOX2 variant in multiple individuals with congenital hypothyroidism (Tonacchera, 2009; Muzza, 2014). This amino acid position is not well conserved in available vertebrate species. Co-expression of DUOX2 protein containing the C1052Y variant and DUOXA2 protein in HeLa cells showed a significant reduction in hydrogen peroxide production, indicating that the variant partially inhibited the peroxide-generating system compared to wild-type (Tonacchera, 2009; Muzza 2014), and significantly lower surface expression of mutant protein (57.6%) compared to wild-type (Tonacchera, 2009). The in silico prediction for this alteration is inconclusive. Based on the available evidence, this alteration is classified as likely pathogenic.

Polak associated Lab, IMAGINE Institute
Classification: Pathogenic for Congenital hypothyroidism. Review status: no assertion criteria provided. Collection method: clinical testing. Allele origin: germline. Affected: yes. Not counted in ClinVar's aggregate classification.

Literature cited by the submitters: PubMed 24423310 (cited by Women's Health and Genetics/Laboratory Corporation of America, LabCorp); PubMed 35272499 (cited by Women's Health and Genetics/Laboratory Corporation of America, LabCorp); PubMed 39787321 (cited by Women's Health and Genetics/Laboratory Corporation of America, LabCorp); PubMed 19789206 (cited by 3 submitters).

NM_001363711.2(DUOX2):c.3155G>A (p.Cys1052Tyr)

Gene: DUOX2 (dual oxidase 2; minus strand). Cytogenetic location: 15q21.1.
Variant type: single nucleotide variant.
Coding change: c.3155G>A on transcript NM_001363711.2 (MANE Select); coding-DNA position 3155, G replaced by A.
Protein change: p.Cys1052Tyr; replaces cysteine 1052 with tyrosine.
Molecular consequence: missense variant.
Genome position (GRCh38, 1-based): chr15:45,100,079, C>T on the plus strand (G>A on the coding strand, the complement: DUOX2 is on the minus strand). VCF-style: chr15-45100079-C-T. GRCh37 (hg19) VCF-style: chr15-45392277-C-T.
Other names: c.3155G>A, p.Cys1052Tyr (NM_014080.5); short protein forms C1052Y.
Identifiers: ClinVar variation 631732 (VCV000631732.28), dbSNP rs76343591, ClinGen allele CA7537995.